The following is an entry in ClinVar:

NM_000124.4(ERCC6):c.1794_1810del (p.Glu599fs)

Gene: ERCC6 (ERCC excision repair 6, chromatin remodeling factor; minus strand). Cytogenetic location: 10q11.23.
Variant type: Deletion.
Coding change: c.1794_1810del on transcript NM_000124.4 (MANE Select); coding-DNA positions 1794 to 1810, 17 bases deleted (TGAAACCGGTTCCTATA).
Protein change: p.Glu599fs; shifts the reading frame from glutamic acid 599.
Molecular consequence: frameshift variant.
Genome position (GRCh38, 1-based): chr10:49,493,128-49,493,144, TATAGGAACCGGTTTCA deleted on the plus strand (TGAAACCGGTTCCTATA on the coding strand, the reverse complement: ERCC6 is on the minus strand); deleting any 17 consecutive bases within chr10:49,493,128-49,493,145 gives the same sequence; the c. name uses the placement nearest the transcript's 3' end. VCF-style (leftmost placement, unchanged base first): chr10-49493127-GTATAGGAACCGGTTTCA-G. GRCh37 (hg19) VCF-style: chr10-50701173-GTATAGGAACCGGTTTCA-G.
Other names: c.1794_1810del, p.Glu599fs (NM_001346440.2); short protein forms E599fs.
Identifiers: ClinVar variation 2026690 (VCV002026690.4), dbSNP rs750598605, ClinGen allele CA5495861.

ClinVar aggregate classification (germline): Pathogenic (1 of 4 stars; one submission).

Submission:

Labcorp Genetics (formerly Invitae), Labcorp
Classification: Pathogenic. Last evaluated: 2022-08-23. Review status: criteria provided, single submitter. Criteria: Invitae Variant Classification Sherloc (09022015). Collection method: clinical testing. Allele origin: germline.
Comment: For these reasons, this variant has been classified as Pathogenic. This variant has not been reported in the literature in individuals affected with ERCC6-related conditions. This variant is present in population databases (rs750598605, gnomAD 0.007%). This sequence change creates a premature translational stop signal (p.Glu599Profs*30) in the ERCC6 gene. It is expected to result in an absent or disrupted protein product. Loss-of-function variants in ERCC6 are known to be pathogenic (PMID: 18628313, 29572252).

Literature cited by the submitters: PubMed 18628313; PubMed 29572252.